The following is an entry in ClinVar:

ClinVar aggregate classification (germline): Uncertain significance. Review status: criteria provided, multiple submitters, no conflicts (2 of 4 stars). 3 submissions from 3 submitters: Uncertain significance (2). 1 of the submissions does not count toward it. Last evaluated 2025-02-24.

Conditions:
Bardet-Biedl syndrome (BBS). Identifiers: Orphanet 110, MedGen C0752166, MONDO:0015229.
TTC8-related disorder. Also called: TTC8-related condition.

Allele frequency attached by ClinVar (database versions not stated): gnomAD exomes below 0.00001 and 0.00001; gnomAD 0.00003; TOPMed 0.00003.
gnomAD v4.1: 6 of 1,614,024 alleles (0.00037%); highest among the groups gnomAD compares: African/African-American, 0.008%; no homozygotes.

Submissions (3):

Labcorp Genetics (formerly Invitae), Labcorp
Classification: Uncertain significance for Bardet-Biedl syndrome. Last evaluated: 2025-02-24. Review status: criteria provided, single submitter. Criteria: Invitae Variant Classification Sherloc (09022015). Collection method: clinical testing. Allele origin: germline.
Comment: This sequence change replaces threonine, which is neutral and polar, with isoleucine, which is neutral and non-polar, at codon 124 of the TTC8 protein (p.Thr124Ile). This variant is present in population databases (no rsID available, gnomAD 0.01%). This variant has not been reported in the literature in individuals affected with TTC8-related conditions. ClinVar contains an entry for this variant (Variation ID: 1368689). Invitae Evidence Modeling of protein sequence and biophysical properties (such as structural, functional, and spatial information, amino acid conservation, physicochemical variation, residue mobility, and thermodynamic stability) has been performed for this missense variant. However, the output from this modeling did not meet the statistical confidence thresholds required to predict the impact of this variant on TTC8 protein function. In summary, the available evidence is currently insufficient to determine the role of this variant in disease. Therefore, it has been classified as a Variant of Uncertain Significance.

Breakthrough Genomics
Classification: Uncertain significance. Review status: criteria provided, single submitter. Criteria: ACMG Guidelines, 2015. Collection method: not provided. Allele origin: germline. Inheritance: Autosomal recessive inheritance. Affected: yes.

PreventionGenetics, part of Exact Sciences
Classification: Uncertain significance for TTC8-related condition. Last evaluated: 2024-01-04. Review status: no assertion criteria provided. Collection method: clinical testing. Allele origin: germline. Not counted in ClinVar's aggregate classification.
Comment: The TTC8 c.401C>T variant is predicted to result in the amino acid substitution p.Thr134Ile. To our knowledge, this variant has not been reported in the literature. This variant is reported in 0.012% of alleles in individuals of African descent in gnomAD. At this time, the clinical significance of this variant is uncertain due to the absence of conclusive functional and genetic evidence.

NM_144596.4(TTC8):c.401C>T (p.Thr134Ile)

Gene: TTC8 (tetratricopeptide repeat domain 8; plus strand). Cytogenetic location: 14q31.3.
Variant type: single nucleotide variant.
Coding change: c.401C>T on transcript NM_144596.4 (MANE Select); coding-DNA position 401, C replaced by T.
Protein change: p.Thr134Ile; replaces threonine 134 with isoleucine.
Molecular consequence: missense variant. On other transcripts: 5 prime UTR variant (2), non-coding transcript variant (1).
Genome position (GRCh38, 1-based): chr14:88,841,108, C>T. VCF-style: chr14-88841108-C-T. GRCh37 (hg19) VCF-style: chr14-89307452-C-T.
Other names: c.371C>T, p.Thr124Ile (NM_001288781.1, NM_001366535.2, NM_001366536.2 and 2 more transcripts); c.-192C>T (NM_001288782.1); c.-287C>T (NM_001288783.1); c.401C>T (NM_144596.3); short protein forms T124I, T134I.
Identifiers: ClinVar variation 1368689 (VCV001368689.7), dbSNP rs982852104, ClinGen allele CA264583574.
Genomic context (GRCh38, chr14:88,841,108, plus strand): 5'-AAGCTGGAAGACCCATTACAGGTTTCCTCAGGCCCAGCACGCAGAGTGGAAGGCCAGGCA[C>T]TATGGAACAGGCTATCAGAACACCCAGAACCGCCTACACAGCCCGCCCTATCACCAGCTC-3'
Protein context (NP_653197.2, residues 124-144): RPSTQSGRPG[Thr134Ile]MEQAIRTPRT